The following is an entry in ClinVar:

NM_006939.4(SOS2):c.2233G>A (p.Gly745Arg)

Gene: SOS2 (SOS Ras/Rho guanine nucleotide exchange factor 2; minus strand). Cytogenetic location: 14q21.3.
Variant type: single nucleotide variant.
Coding change: c.2233G>A on transcript NM_006939.4 (MANE Select); coding-DNA position 2233, G replaced by A.
Protein change: p.Gly745Arg; replaces glycine 745 with arginine.
Molecular consequence: missense variant.
Genome position (GRCh38, 1-based): chr14:50,150,159, C>T on the plus strand (G>A on the coding strand, the complement: SOS2 is on the minus strand). VCF-style: chr14-50150159-C-T. GRCh37 (hg19) VCF-style: chr14-50616877-C-T.
Other names: c.2134G>A, p.Gly712Arg (NM_001411020.1); short protein forms G712R, G745R.
Identifiers: ClinVar variation 1788155 (VCV001788155.2), dbSNP rs2139595351, ClinGen allele CA389643906.

ClinVar aggregate classification (germline): Uncertain significance (1 of 4 stars; one submission).

Conditions:
Cardiovascular phenotype. Identifiers: MedGen CN230736.

Allele frequency attached by ClinVar (database versions not stated): gnomAD exomes below 0.00001.
gnomAD v4.1: 4 of 1,613,342 alleles (0.00025%); highest among the groups gnomAD compares: Admixed American, 0.0033%; no homozygotes.

Submission:

Ambry Genetics
Classification: Uncertain significance for Cardiovascular phenotype. Last evaluated: 2022-04-21. Review status: criteria provided, single submitter. Criteria: Ambry Variant Classification Scheme 2023. Collection method: clinical testing. Allele origin: germline.
Comment: The p.G745R variant (also known as c.2233G>A), located in coding exon 14 of the SOS2 gene, results from a G to A substitution at nucleotide position 2233. The glycine at codon 745 is replaced by arginine, an amino acid with dissimilar properties. This amino acid position is conserved. In addition, this alteration is predicted to be tolerated by in silico analysis. Since supporting evidence is limited at this time, the clinical significance of this alteration remains unclear.